The following is an entry in ClinVar:

NM_001127222.2(CACNA1A):c.967C>G (p.Leu323Val)

Gene: CACNA1A (calcium voltage-gated channel subunit alpha1 A; minus strand). Cytogenetic location: 19p13.13.
Variant type: single nucleotide variant.
Coding change: c.967C>G on transcript NM_001127222.2 (MANE Select); coding-DNA position 967, C replaced by G.
Protein change: p.Leu323Val; replaces leucine 323 with valine.
Molecular consequence: missense variant.
Genome position (GRCh38, 1-based): chr19:13,359,617, G>C on the plus strand (C>G on the coding strand, the complement: CACNA1A is on the minus strand). VCF-style: chr19-13359617-G-C. GRCh37 (hg19) VCF-style: chr19-13470431-G-C.
Other names: c.967C>G, p.Leu323Val (NM_000068.4, NM_001127221.2, NM_001174080.2 and 1 more transcripts); short protein forms L323V.
Identifiers: ClinVar variation 2126991 (VCV002126991.4), dbSNP rs2513151739, ClinGen allele CA404346933.

ClinVar aggregate classification (germline): Uncertain significance (1 of 4 stars; one submission).

Conditions:
Episodic ataxia type 2 (EA2). Also called: ACETAZOLAMIDE-RESPONSIVE HEREDITARY PAROXYSMAL CEREBELLAR ATAXIA; ATAXIA, EPISODIC, WITH NYSTAGMUS; ATAXIA, FAMILIAL PAROXYSMAL; CEREBELLAR ATAXIA, PAROXYSMAL, ACETAZOLAMIDE-RESPONSIVE; CEREBELLOPATHY, HEREDITARY PAROXYSMAL; EPISODIC ATAXIA, NYSTAGMUS-ASSOCIATED. Identifiers: Orphanet 97, MedGen C1720416, MONDO:0007163, OMIM 108500.
Developmental and epileptic encephalopathy, 42 (DEE42A). Also called: EPILEPTIC ENCEPHALOPATHY, EARLY INFANTILE, 42A; DEVELOPMENTAL AND EPILEPTIC ENCEPHALOPATHY 42A; Epileptic encephalopathy, early infantile, 42. Identifiers: MedGen C4310716, MONDO:0014917, OMIM 617106.

Allele frequency attached by ClinVar (database versions not stated): gnomAD exomes below 0.00001.
gnomAD v4.1: 1 of 1,610,204 alleles (0.000062%); highest among the groups gnomAD compares: Non-Finnish European, 0.000085%; no homozygotes.

Submission:

Labcorp Genetics (formerly Invitae), Labcorp
Classification: Uncertain significance for Developmental and epileptic encephalopathy, 42; Episodic ataxia type 2. Last evaluated: 2022-04-16. Review status: criteria provided, single submitter. Criteria: Invitae Variant Classification Sherloc (09022015). Collection method: clinical testing. Allele origin: germline.
Comment: In summary, the available evidence is currently insufficient to determine the role of this variant in disease. Therefore, it has been classified as a Variant of Uncertain Significance. Advanced modeling of protein sequence and biophysical properties (such as structural, functional, and spatial information, amino acid conservation, physicochemical variation, residue mobility, and thermodynamic stability) performed at Invitae indicates that this missense variant is not expected to disrupt CACNA1A protein function. This variant has not been reported in the literature in individuals affected with CACNA1A-related conditions. This variant is not present in population databases (gnomAD no frequency). This sequence change replaces leucine, which is neutral and non-polar, with valine, which is neutral and non-polar, at codon 323 of the CACNA1A protein (p.Leu323Val).